The following is an entry in ClinVar:

NM_004082.5(DCTN1):c.1259A>G (p.Glu420Gly)

Gene: DCTN1 (dynactin subunit 1; minus strand). Cytogenetic location: 2p13.1.
Variant type: single nucleotide variant.
Coding change: c.1259A>G on transcript NM_004082.5 (MANE Select); coding-DNA position 1259, A replaced by G.
Protein change: p.Glu420Gly; replaces glutamic acid 420 with glycine.
Molecular consequence: missense variant. On other transcripts: non-coding transcript variant (1).
Genome position (GRCh38, 1-based): chr2:74,370,214, T>C on the plus strand (A>G on the coding strand, the complement: DCTN1 is on the minus strand). VCF-style: chr2-74370214-T-C. GRCh37 (hg19) VCF-style: chr2-74597341-T-C.
Other names: c.1199A>G, p.Glu400Gly (NM_001135040.3); c.857A>G, p.Glu286Gly (NM_001135041.3, NM_023019.4); c.1148A>G, p.Glu383Gly (NM_001190836.2); c.1238A>G, p.Glu413Gly (NM_001190837.2); c.1208A>G, p.Glu403Gly (NM_001378991.1); c.1190A>G, p.Glu397Gly (NM_001378992.1); short protein forms E286G, E383G, E400G, E413G, E420G, E403G, E397G.
Identifiers: ClinVar variation 836640 (VCV000836640.10), dbSNP rs1674734372, ClinGen allele CA347360627.

ClinVar aggregate classification (germline): Uncertain significance (1 of 4 stars; one submission).

Conditions:
Amyotrophic lateral sclerosis type 1 (ALS1). Also called: AMYOTROPHIC LATERAL SCLEROSIS 1, FAMILIAL. Identifiers: Orphanet 803, MedGen C1862939, MONDO:0007103, OMIM 105400.
Perry syndrome. Also called: PARKINSONISM WITH ALVEOLAR HYPOVENTILATION AND MENTAL DEPRESSION. Identifiers: Orphanet 178509, MedGen C1868594, MONDO:0008201, OMIM 168605.
Neuronopathy, distal hereditary motor, type 7B. Also called: Distal Hereditary Motor Neuronopathy Type 7B (dHMN7B); HMN VIIB; LOWER MOTOR NEURON DISEASE, DYNACTIN TYPE; NEURONOPATHY, DISTAL HEREDITARY MOTOR, AUTOSOMAL DOMINANT 14; NEURONOPATHY, DISTAL HEREDITARY MOTOR, HARDING TYPE VIIB; NEUROPATHY, DISTAL HEREDITARY MOTOR, HARDING TYPE VIIB. Identifiers: Orphanet 139589, MedGen C1843315, MONDO:0011879, OMIM 607641.

Submission:

Labcorp Genetics (formerly Invitae), Labcorp
Classification: Uncertain significance for Amyotrophic lateral sclerosis type 1; Neuronopathy, distal hereditary motor, type 7B; Perry syndrome. Last evaluated: 2019-04-06. Review status: criteria provided, single submitter. Criteria: Invitae Variant Classification Sherloc (09022015). Collection method: clinical testing. Allele origin: germline.
Comment: This sequence change replaces glutamic acid with glycine at codon 420 of the DCTN1 protein (p.Glu420Gly). The glutamic acid residue is highly conserved and there is a moderate physicochemical difference between glutamic acid and glycine. This variant is not present in population databases (ExAC no frequency). This variant has not been reported in the literature in individuals with DCTN1-related conditions. Algorithms developed to predict the effect of missense changes on protein structure and function (SIFT, PolyPhen-2, Align-GVGD) all suggest that this variant is likely to be disruptive, but these predictions have not been confirmed by published functional studies and their clinical significance is uncertain. In summary, the available evidence is currently insufficient to determine the role of this variant in disease. Therefore, it has been classified as a Variant of Uncertain Significance.